The following is an entry in ClinVar:

NM_005159.5(ACTC1):c.635G>C (p.Arg212Pro)

Genes: ACTC1 (actin alpha cardiac muscle 1; minus strand), GJD2-DT (GJD2 divergent transcript; plus strand). Cytogenetic location: 15q14.
Variant type: single nucleotide variant.
Coding change: c.635G>C on transcript NM_005159.5 (MANE Select); coding-DNA position 635, G replaced by C.
Protein change: p.Arg212Pro; replaces arginine 212 with proline.
Molecular consequence: missense variant.
Genome position (GRCh38, 1-based): chr15:34,792,263, C>G on the plus strand (G>C on the coding strand, the complement: ACTC1 is on the minus strand). VCF-style: chr15-34792263-C-G. GRCh37 (hg19) VCF-style: chr15-35084464-C-G.
Other names: short protein forms R212P.
Identifiers: ClinVar variation 1306876 (VCV001306876.3), dbSNP rs397517067, ClinGen allele CA391630784.
Genomic context (GRCh38, chr15:34,792,263, plus strand): 5'-GCTGTGGCCATCTCATTCTCAAAATCCAGGGCGACATAGCACAGCTTCTCTTTAATGTCA[C>G]GGACAATTTCACGTTCAGCTACAGAAATAAAGAGTATCACAGTCATGCTCTGAAGCAAGA-3'
Protein context (NP_005150.1, residues 202-222): FVTTAEREIV[Arg212Pro]DIKEKLCYVA

ClinVar aggregate classification (germline): Likely pathogenic (1 of 4 stars; one submission).

Submission:

GeneDx
Classification: Likely pathogenic. Last evaluated: 2025-07-18. Review status: criteria provided, single submitter. Criteria: GeneDx Variant Classification Process June 2021. Collection method: clinical testing. Allele origin: germline. Affected: yes.
Comment: Not observed in large population cohorts (gnomAD); In silico analysis, which includes protein predictors and evolutionary conservation, supports a deleterious effect; Has not been previously published as pathogenic or benign to our knowledge